The following is an entry in ClinVar:

NM_001348323.3(TRIP12):c.4833A>T (p.Lys1611Asn)

Gene: TRIP12 (thyroid hormone receptor interactor 12; minus strand). Cytogenetic location: 2q36.3.
Variant type: single nucleotide variant.
Coding change: c.4833A>T on transcript NM_001348323.3 (MANE Select); coding-DNA position 4833, A replaced by T.
Protein change: p.Lys1611Asn; replaces lysine 1611 with asparagine.
Molecular consequence: missense variant.
Genome position (GRCh38, 1-based): chr2:229,788,803, T>A on the plus strand (A>T on the coding strand, the complement: TRIP12 is on the minus strand). VCF-style: chr2-229788803-T-A. GRCh37 (hg19) VCF-style: chr2-230653519-T-A.
Other names: c.4752A>T, p.Lys1584Asn (NM_001284214.2, NM_001348315.2); c.4707A>T, p.Lys1569Asn (NM_001284215.2, NM_001348316.2); c.3798A>T, p.Lys1266Asn (NM_001284216.2); c.4692A>T, p.Lys1564Asn (NM_001348317.1, NM_001348318.2); c.4818A>T, p.Lys1606Asn (NM_001348319.1, NM_001348320.2); c.4821A>T, p.Lys1607Asn (NM_001348321.1); c.4833A>T, p.Lys1611Asn (NM_001348322.1, NM_001348324.2, NM_001348325.2 and 2 more transcripts); c.4836A>T, p.Lys1612Asn (NM_001348328.1, NM_001348329.2, NM_001348330.2); and 4 more; short protein forms K1266N, K1536N, K1537N, K1564N, K1569N, K1577N, K1584N, K1585N.
Identifiers: ClinVar variation 2505966 (VCV002505966.2), dbSNP rs2040716329, ClinGen allele CA350893408.
Genomic context (GRCh38, chr2:229,788,803, plus strand): 5'-CAAGACCAACCCAGTAACATTTCCAAGGCCACCATTACAGAAGTGATTGTCTTACCAGGT[T>A]TTTCCTAGCTCAGTAAGCCATGTTGGGATGTTTCCTGTCATGATTACTAAAGGATCTTGA-3'
Protein context (NP_001335252.1, residues 1601-1621): NIPTWLTELG[Lys1611Asn]TCPFFFPFDT

ClinVar aggregate classification (germline): Uncertain significance (1 of 4 stars; one submission).

Submission:

GeneDx
Classification: Uncertain significance. Last evaluated: 2023-10-03. Review status: criteria provided, single submitter. Criteria: GeneDx Variant Classification Process June 2021. Collection method: clinical testing. Allele origin: germline. Affected: yes.
Comment: Not observed at significant frequency in large population cohorts (gnomAD); In silico analysis supports that this missense variant does not alter protein structure/function; Has not been previously published as pathogenic or benign to our knowledge